The following is an entry in ClinVar:

ClinVar aggregate classification (germline): Uncertain significance (1 of 4 stars; one submission).

Conditions:
Cardiovascular phenotype. Identifiers: MedGen CN230736.

Submission:

Ambry Genetics
Classification: Uncertain significance for Cardiovascular phenotype. Last evaluated: 2025-07-28. Review status: criteria provided, single submitter. Criteria: Ambry Variant Classification Scheme 2023. Collection method: clinical testing. Allele origin: germline.
Comment: The p.R3447L variant (also known as c.10340G>T), located in coding exon 2 of the ZNF469 gene, results from a G to T substitution at nucleotide position 10340. The arginine at codon 3447 is replaced by leucine, an amino acid with dissimilar properties. This amino acid position is conserved. In addition, this alteration is predicted to be tolerated by in silico analysis. Based on the available evidence, the clinical significance of this variant remains unclear.

NM_001127464.1:c.10340G>T

Gene: ZNF469 (zinc finger protein 469; plus strand).
Variant type: single nucleotide variant.
Identifiers: ClinVar variation 4209111 (VCV004209111.1).